The following is an entry in ClinVar:

NM_001035.3(RYR2):c.5590C>A (p.Leu1864Met)

Gene: RYR2 (ryanodine receptor 2; plus strand). Cytogenetic location: 1q43.
Variant type: single nucleotide variant.
Coding change: c.5590C>A on transcript NM_001035.3 (MANE Select); coding-DNA position 5590, C replaced by A.
Protein change: p.Leu1864Met; replaces leucine 1864 with methionine.
Molecular consequence: missense variant.
Genome position (GRCh38, 1-based): chr1:237,614,718, C>A. VCF-style: chr1-237614718-C-A. GRCh37 (hg19) VCF-style: chr1-237778018-C-A.
Other names: c.5590C>A (NM_001035.2); short protein forms L1864M.
Identifiers: ClinVar variation 1026347 (VCV001026347.14), dbSNP rs1202498329, ClinGen allele CA345405357.
Genomic context (GRCh38, chr1:237,614,718, plus strand): 5'-CAGTTGATTGAGCCCAGTGTGTTTAAAGAAGCTGCCACTCCGGAGGAGGAGAGTGACACG[C>A]TGGAGAAAGAGCTCAGTGTGGACGATGCAAAGCTGCAAGGAGCTGGTGAGGAAGAAGCCA-3'
Protein context (NP_001026.2, residues 1854-1874): AATPEEESDT[Leu1864Met]EKELSVDDAK

ClinVar aggregate classification (germline): Conflicting classifications of pathogenicity. Review status: criteria provided, conflicting classifications (1 of 4 stars). 4 submissions from 4 submitters: Uncertain significance (3); Likely benign (1). Last evaluated 2024-02-27.

Conditions:
Catecholaminergic polymorphic ventricular tachycardia (CVPT). Also called: Catecholamine-induced polymorphic ventricular tachycardia. Identifiers: Orphanet 3286, MedGen C5574922, MONDO:0017990.
Cardiovascular phenotype. Identifiers: MedGen CN230736.
Cardiomyopathy (CMYO). Also called: Cardiomyopathies. Identifiers: Orphanet 167848, MedGen C0878544, MONDO:0004994, HP:0001638. Inheritance: Various modes of inheritance.
Catecholaminergic polymorphic ventricular tachycardia 1. Also called: RYR2-Related Catecholaminergic Polymorphic Ventricular Tachycardia; VENTRICULAR TACHYCARDIA, CATECHOLAMINERGIC POLYMORPHIC, 1, WITH OR WITHOUT ATRIAL DYSFUNCTION AND/OR DILATED CARDIOMYOPATHY; VENTRICULAR TACHYCARDIA, STRESS-INDUCED POLYMORPHIC 1. Identifiers: Orphanet 3286, MedGen C1631597, MONDO:0011484, OMIM 604772.

Allele frequency attached by ClinVar (database versions not stated): gnomAD exomes below 0.00001; gnomAD 0.00001; TOPMed 0.00001.
gnomAD v4.1: 3 of 1,613,876 alleles (0.00019%); highest among the groups gnomAD compares: Non-Finnish European, 0.00025%; no homozygotes.

Submissions (4):

Ambry Genetics
Classification: Likely benign for Cardiovascular phenotype. Last evaluated: 2024-02-27. Review status: criteria provided, single submitter. Criteria: Ambry Variant Classification Scheme 2023. Collection method: clinical testing. Allele origin: germline.

Color Diagnostics, LLC DBA Color Health
Classification: Uncertain significance for Cardiomyopathy. Last evaluated: 2023-04-24. Review status: criteria provided, single submitter. Criteria: ACMG Guidelines, 2015. Collection method: clinical testing. Allele origin: germline.
Comment: This missense variant replaces leucine with methionine at codon 1864 of the RYR2 protein. Computational prediction suggests that this variant may not impact protein structure and function (internally defined REVEL score threshold <= 0.5, PMID: 27666373). To our knowledge, functional studies have not been reported for this variant. This variant has not been reported in individuals affected with RYR2-related disorders in the literature. This variant has not been identified in the general population by the Genome Aggregation Database (gnomAD). The available evidence is insufficient to determine the role of this variant in disease conclusively. Therefore, this variant is classified as a Variant of Uncertain Significance.

All of Us Research Program, National Institutes of Health
Classification: Uncertain significance for Catecholaminergic polymorphic ventricular tachycardia. Last evaluated: 2023-03-04. Review status: criteria provided, single submitter. Criteria: ACMG Guidelines, 2015. Collection method: clinical testing. Allele origin: germline. Inheritance: Autosomal dominant inheritance. Observed: 1 variant allele, 1 heterozygote.
Comment: This study involves interpretation of variants in research participants for the purpose of population health screening. Participant phenotype was not available at the time of variant classification. Additional details can be found in publication PMID: 35346344, PMCID: PMC8962531

Labcorp Genetics (formerly Invitae), Labcorp
Classification: Uncertain significance for Catecholaminergic polymorphic ventricular tachycardia 1. Last evaluated: 2020-10-08. Review status: criteria provided, single submitter. Criteria: Invitae Variant Classification Sherloc (09022015). Collection method: clinical testing. Allele origin: germline.
Comment: This variant has not been reported in the literature in individuals with RYR2-related conditions. This variant is not present in population databases (ExAC no frequency). This sequence change replaces leucine with methionine at codon 1864 of the RYR2 protein (p.Leu1864Met). The leucine residue is moderately conserved and there is a small physicochemical difference between leucine and methionine. Advanced modeling of protein sequence and biophysical properties (such as structural, functional, and spatial information, amino acid conservation, physicochemical variation, residue mobility, and thermodynamic stability) performed at Invitae indicates that this missense variant is not expected to disrupt RYR2 protein function. In summary, the available evidence is currently insufficient to determine the role of this variant in disease. Therefore, it has been classified as a Variant of Uncertain Significance.